The following is an entry in ClinVar:

ClinVar aggregate classification (germline): Pathogenic (1 of 4 stars; one submission).

Conditions:
Congenital factor V deficiency. Also called: LABILE FACTOR DEFICIENCY; OWREN PARAHEMOPHILIA; PARAHEMOPHILIA; Hereditary factor V deficiency disease. Identifiers: Orphanet 326, MedGen C0015499, MONDO:0009210, OMIM 227400.

Submission:

Labcorp Genetics (formerly Invitae), Labcorp
Classification: Pathogenic for Congenital factor V deficiency. Last evaluated: 2025-05-15. Review status: criteria provided, single submitter. Criteria: Invitae Variant Classification Sherloc (09022015). Collection method: clinical testing. Allele origin: germline.
Comment: This sequence change creates a premature translational stop signal (p.Pro47Leufs*8) in the F5 gene. It is expected to result in an absent or disrupted protein product. Loss-of-function variants in F5 are known to be pathogenic (PMID: 30924984). This variant is not present in population databases (gnomAD no frequency). This variant has not been reported in the literature in individuals affected with F5-related conditions. For these reasons, this variant has been classified as Pathogenic.

Literature cited by the submitters: PubMed 30924984.

NM_000130.5(F5):c.140del (p.Pro47fs)

Gene: F5 (coagulation factor V; minus strand). Cytogenetic location: 1q24.2.
Variant type: Deletion.
Coding change: c.140del on transcript NM_000130.5 (MANE Select); coding-DNA position 140, one base deleted (C; older notation c.140delC).
Protein change: p.Pro47fs; shifts the reading frame from proline 47.
Molecular consequence: frameshift variant.
Genome position (GRCh38, 1-based): chr1:169,586,247, G deleted on the plus strand (C on the coding strand, the reverse complement: F5 is on the minus strand); the first of 2 consecutive G bases (chr1:169,586,247-169,586,248); deleting either gives the same sequence. VCF-style (leftmost placement, unchanged base first): chr1-169586246-AG-A. GRCh37 (hg19) VCF-style: chr1-169555484-AG-A.
Other names: short protein forms P47fs.
Identifiers: ClinVar variation 4776849 (VCV004776849.1).